The following is an entry in ClinVar:

ClinVar aggregate classification (germline): Uncertain significance (1 of 4 stars; one submission).

Conditions:
Intellectual developmental disorder with impaired language and dysmorphic facies. Identifiers: MedGen C5231444, MONDO:0032851, OMIM 618653.

Allele frequency attached by ClinVar (database versions not stated): gnomAD exomes below 0.00001.
gnomAD v4.1: 1 of 1,613,852 alleles (0.000062%); highest among the groups gnomAD compares: Non-Finnish European, 0.000085%; no homozygotes.

Submission:

Victorian Clinical Genetics Services, Murdoch Childrens Research Institute
Classification: Uncertain significance for Intellectual developmental disorder with impaired language and dysmorphic facies. Last evaluated: 2025-09-09. Review status: criteria provided, single submitter. Criteria: ACMG Guidelines, 2015. Collection method: clinical testing. Allele origin: germline. Affected: yes.
Comment: This variant is classified as VUS-3B. Evidence in support of pathogenic classification: Variant is present in gnomAD <0.001 for a dominant condition (v4: 1 heterozygote(s), 0 homozygote(s)); Missense variant predicted to be damaging by in silico tool(s) or highly conserved with a major amino acid change. Additional information: Variant is predicted to result in a missense amino acid change from Asp to Val; This variant is heterozygous; This gene is associated with autosomal dominant disease; This variant has no previous evidence of pathogenicity; No published evidence of segregation with disease has been identified for this variant; No published functional evidence has been identified for this variant; No comparable missense variants have previous evidence for pathogenicity; Variant is located in the annotated helicase C-terminal domain (UniProt); The mechanism of disease for this gene is not clearly established. Dominant-negative has been suggested as a likely disease mechanism (PMID: 31422817); Inheritance information for this variant is not currently available in this individual.

Literature cited by the submitters: PubMed 31422817.

NM_004397.6(DDX6):c.1394A>T (p.Asp465Val)

Gene: DDX6 (DEAD-box helicase 6; minus strand). Cytogenetic location: 11q23.3.
Variant type: single nucleotide variant.
Coding change: c.1394A>T on transcript NM_004397.6 (MANE Select); coding-DNA position 1394, A replaced by T.
Protein change: p.Asp465Val; replaces aspartic acid 465 with valine.
Molecular consequence: missense variant.
Genome position (GRCh38, 1-based): chr11:118,754,770, T>A on the plus strand (A>T on the coding strand, the complement: DDX6 is on the minus strand). VCF-style: chr11-118754770-T-A. GRCh37 (hg19) VCF-style: chr11-118625479-T-A.
Other names: c.1394A>T, p.Asp465Val (NM_001257191.3); short protein forms D465V.
Identifiers: ClinVar variation 1699483 (VCV001699483.5), dbSNP rs2137411793, ClinGen allele CA382886917.